The following is an entry in ClinVar:

ClinVar aggregate classification (germline): Uncertain significance. Review status: criteria provided, multiple submitters, no conflicts (2 of 4 stars). 2 submissions from 2 submitters: Uncertain significance (2). Last evaluated 2025-08-29.

Conditions:
Inborn genetic diseases. Identifiers: MedGen C0950123, MeSH D030342.

Allele frequency attached by ClinVar (database versions not stated): gnomAD 0.00001; gnomAD exomes 0.00001; ExAC 0.00002; TOPMed 0.00002; 1000 Genomes Project 30x 0.00016; 1000 Genomes Project 0.00020.
gnomAD v4.1: 13 of 1,607,666 alleles (0.00081%); highest among the groups gnomAD compares: South Asian, 0.0022%; no homozygotes.

Submissions (2):

Ambry Genetics
Classification: Uncertain significance for Inborn genetic diseases. Last evaluated: 2025-08-29. Review status: criteria provided, single submitter. Criteria: Ambry Variant Classification Scheme 2023. Collection method: clinical testing. Allele origin: germline.

Labcorp Genetics (formerly Invitae), Labcorp
Classification: Uncertain significance. Last evaluated: 2025-04-17. Review status: criteria provided, single submitter. Criteria: Invitae Variant Classification Sherloc (09022015). Collection method: clinical testing. Allele origin: germline.
Comment: This sequence change replaces glycine, which is neutral and non-polar, with arginine, which is basic and polar, at codon 334 of the COL9A3 protein (p.Gly334Arg). The frequency data for this variant in the population databases is considered unreliable, as metrics indicate poor data quality at this position in the gnomAD database. This variant has not been reported in the literature in individuals affected with COL9A3-related conditions. ClinVar contains an entry for this variant (Variation ID: 1470842). Invitae Evidence Modeling of protein sequence and biophysical properties (such as structural, functional, and spatial information, amino acid conservation, physicochemical variation, residue mobility, and thermodynamic stability) indicates that this missense variant is expected to disrupt COL9A3 protein function with a positive predictive value of 95%. In summary, the available evidence is currently insufficient to determine the role of this variant in disease. Therefore, it has been classified as a Variant of Uncertain Significance.

NM_001853.4(COL9A3):c.1000G>A (p.Gly334Arg)

Gene: COL9A3 (collagen type IX alpha 3 chain; plus strand). Cytogenetic location: 20q13.33.
Variant type: single nucleotide variant.
Coding change: c.1000G>A on transcript NM_001853.4 (MANE Select); coding-DNA position 1000, G replaced by A.
Protein change: p.Gly334Arg; replaces glycine 334 with arginine.
Molecular consequence: missense variant.
Genome position (GRCh38, 1-based): chr20:62,828,968, G>A. VCF-style: chr20-62828968-G-A. GRCh37 (hg19) VCF-style: chr20-61460320-G-A.
Other names: c.1000G>A (NM_001853.3); short protein forms G334R.
Identifiers: ClinVar variation 1470842 (VCV001470842.7), dbSNP rs534989733, ClinGen allele CA9949652.